The following is an entry in ClinVar:

NM_001987.5(ETV6):c.188G>C (p.Arg63Thr)

Genes: ETV6 (ETS variant transcription factor 6; plus strand), LOC126861451 (BRD4-independent group 4 enhancer GRCh37_chr12:11991350-11992549; plus strand). Cytogenetic location: 12p13.2.
Variant type: single nucleotide variant.
Coding change: c.188G>C on transcript NM_001987.5 (MANE Select); coding-DNA position 188, G replaced by C.
Protein change: p.Arg63Thr; replaces arginine 63 with threonine.
Molecular consequence: missense variant. On other transcripts: 5 prime UTR variant (1).
Genome position (GRCh38, 1-based): chr12:11,839,164, G>C. VCF-style: chr12-11839164-G-C. GRCh37 (hg19) VCF-style: chr12-11992098-G-C.
Other names: c.185G>C, p.Arg62Thr (NM_001413913.1); c.161G>C, p.Arg54Thr (NM_001413914.1); c.-77G>C (NM_001413915.1); c.188G>C, p.Arg63Thr (NM_001413916.1, NM_001413917.1, NM_001413918.1); short protein forms R54T, R62T, R63T.
Identifiers: ClinVar variation 3392830 (VCV003392830.1).

ClinVar aggregate classification (germline): Uncertain significance (1 of 4 stars; one submission).

Submission:

GeneDx
Classification: Uncertain significance. Last evaluated: 2024-06-24. Review status: criteria provided, single submitter. Criteria: GeneDx Variant Classification Process June 2021. Collection method: clinical testing. Allele origin: germline. Affected: yes.
Comment: Not observed at significant frequency in large population cohorts (gnomAD); In silico analysis supports that this missense variant has a deleterious effect on protein structure/function; Has not been previously published as pathogenic or benign to our knowledge; This variant is associated with the following publications: (PMID: 28555414, 28637624)